The following is an entry in ClinVar:

ClinVar aggregate classification (germline): Uncertain significance (1 of 4 stars; one submission).

Allele frequency attached by ClinVar (database versions not stated): gnomAD exomes below 0.00001.
gnomAD v4.1: 1 of 1,324,782 alleles (0.000075%); highest among the groups gnomAD compares: South Asian, 0.002%; no homozygotes.

Submission:

Labcorp Genetics (formerly Invitae), Labcorp
Classification: Uncertain significance. Last evaluated: 2022-08-08. Review status: criteria provided, single submitter. Criteria: Invitae Variant Classification Sherloc (09022015). Collection method: clinical testing. Allele origin: germline.
Comment: This variant has not been reported in the literature in individuals affected with APC2-related conditions. This variant is not present in population databases (gnomAD no frequency). This sequence change replaces glycine, which is neutral and non-polar, with serine, which is neutral and polar, at codon 1334 of the APC2 protein (p.Gly1334Ser). Algorithms developed to predict the effect of missense changes on protein structure and function output the following: SIFT: "Tolerated"; PolyPhen-2: "Benign"; Align-GVGD: "Class C0". The serine amino acid residue is found in multiple mammalian species, which suggests that this missense change does not adversely affect protein function. In summary, the available evidence is currently insufficient to determine the role of this variant in disease. Therefore, it has been classified as a Variant of Uncertain Significance. Algorithms developed to predict the effect of sequence changes on RNA splicing suggest that this variant may create or strengthen a splice site.

NM_005883.3(APC2):c.4000G>A (p.Gly1334Ser)

Gene: APC2 (APC regulator of Wnt signaling pathway 2; plus strand). Cytogenetic location: 19p13.3.
Variant type: single nucleotide variant.
Coding change: c.4000G>A on transcript NM_005883.3 (MANE Select); coding-DNA position 4000, G replaced by A.
Protein change: p.Gly1334Ser; replaces glycine 1334 with serine.
Molecular consequence: missense variant.
Genome position (GRCh38, 1-based): chr19:1,467,301, G>A. VCF-style: chr19-1467301-G-A. GRCh37 (hg19) VCF-style: chr19-1467300-G-A.
Other names: c.3997G>A, p.Gly1333Ser (NM_001351273.1); short protein forms G1333S, G1334S.
Identifiers: ClinVar variation 2163909 (VCV002163909.4), dbSNP rs1004253145, ClinGen allele CA304078002.
Genomic context (GRCh38, chr19:1,467,301, plus strand): 5'-CACTTTGCAGGGCACCGGCGGCGGGAGGAGGGGCCGGCGCCCACGGGTTCTCGCCCTCGC[G>A]GCGCCGCGGACCAGGAGCTGGAACTGCTGCGGGAGTGCCTGGGAGCCGCCGTGCCTGCCC-3'
Protein context (NP_005874.1, residues 1324-1344): GPAPTGSRPR[Gly1334Ser]AADQELELLR